The following is an entry in ClinVar:

NM_000458.4(HNF1B):c.737del (p.Leu246fs)

Genes: HNF1B (HNF1 homeobox B; minus strand), LOC126862549 (BRD4-independent group 4 enhancer GRCh37_chr17:36093401-36094600; plus strand). Cytogenetic location: 17q12.
Variant type: Deletion.
Coding change: c.737del on transcript NM_000458.4 (MANE Select); coding-DNA position 737, one base deleted (T; older notation c.737delT).
Protein change: p.Leu246fs; shifts the reading frame from leucine 246.
Molecular consequence: frameshift variant.
Genome position (GRCh38, 1-based): chr17:37,733,629, A deleted on the plus strand (T on the coding strand, the reverse complement: HNF1B is on the minus strand); the first of 2 consecutive A bases (chr17:37,733,629-37,733,630); deleting either gives the same sequence. VCF-style (leftmost placement, unchanged base first): chr17-37733628-CA-C. GRCh37 (hg19) VCF-style: chr17-36093621-CA-C.
Other names: c.659del, p.Leu220fs (NM_001165923.4, NM_001304286.2); c.737del, p.Leu246fs (NM_001411100.1); short protein forms L246fs, L220fs.
Identifiers: ClinVar variation 4999239 (VCV004999239.1).

ClinVar aggregate classification (germline): Pathogenic (1 of 4 stars; one submission).

Conditions:
HNF1B-related disorder. Also called: HNF1B-related condition; HNF1B-related disorders.

Submission:

PreventionGenetics, part of Exact Sciences
Classification: Pathogenic for HNF1B-related condition. Last evaluated: 2025-03-12. Review status: criteria provided, single submitter. Criteria: ACMG Guidelines, 2015. Collection method: clinical testing. Allele origin: germline.
Comment: The HNF1B c.737delT variant is predicted to result in a frameshift and premature protein termination (p.Leu246Cysfs*19). To our knowledge, this variant has not been reported in the literature or in a large population database (gnomAD), indicating this variant is rare. Frameshift variants in HNF1B are expected to be pathogenic. This variant is interpreted as pathogenic.